The following is an entry in ClinVar:

ClinVar aggregate classification (germline): Uncertain significance (1 of 4 stars; one submission).

Allele frequency attached by ClinVar (database versions not stated): gnomAD 0.00004 and 0.00006; gnomAD exomes 0.00004 and 0.00018; ExAC 0.00009; TOPMed 0.00017.
gnomAD v4.1: 72 of 1,613,484 alleles (0.0045%); highest among the groups gnomAD compares: Admixed American, 0.098%; 1 homozygote.

Submission:

Labcorp Genetics (formerly Invitae), Labcorp
Classification: Uncertain significance. Last evaluated: 2025-12-18. Review status: criteria provided, single submitter. Criteria: Invitae Variant Classification Sherloc (09022015). Collection method: clinical testing. Allele origin: germline.
Comment: This sequence change replaces glycine, which is neutral and non-polar, with serine, which is neutral and polar, at codon 895 of the ADAMTS17 protein (p.Gly895Ser). This variant is present in population databases (rs760146001, gnomAD 0.1%). This variant has not been reported in the literature in individuals affected with ADAMTS17-related conditions. ClinVar contains an entry for this variant (Variation ID: 1348220). An algorithm developed to predict the effect of missense changes on protein structure and function (PolyPhen-2) suggests that this variant is likely to be disruptive. In summary, the available evidence is currently insufficient to determine the role of this variant in disease. Therefore, it has been classified as a Variant of Uncertain Significance.

NM_139057.4(ADAMTS17):c.2683G>A (p.Gly895Ser)

Gene: ADAMTS17 (ADAM metallopeptidase with thrombospondin type 1 motif 17; minus strand). Cytogenetic location: 15q26.3.
Variant type: single nucleotide variant.
Coding change: c.2683G>A on transcript NM_139057.4 (MANE Select); coding-DNA position 2683, G replaced by A.
Protein change: p.Gly895Ser; replaces glycine 895 with serine.
Molecular consequence: missense variant.
Genome position (GRCh38, 1-based): chr15:99,997,498, C>T on the plus strand (G>A on the coding strand, the complement: ADAMTS17 is on the minus strand). VCF-style: chr15-99997498-C-T. GRCh37 (hg19) VCF-style: chr15-100537703-C-T.
Other names: short protein forms G895S.
Identifiers: ClinVar variation 1348220 (VCV001348220.6), dbSNP rs760146001, ClinGen allele CA7757623.